The following is an entry in ClinVar:

NM_032603.5(LOXL3):c.1120G>C (p.Val374Leu)

Gene: LOXL3 (lysyl oxidase like 3; minus strand). Cytogenetic location: 2p13.1.
Variant type: single nucleotide variant.
Coding change: c.1120G>C on transcript NM_032603.5 (MANE Select); coding-DNA position 1120, G replaced by C.
Protein change: p.Val374Leu; replaces valine 374 with leucine.
Molecular consequence: missense variant.
Genome position (GRCh38, 1-based): chr2:74,536,124, C>G on the plus strand (G>C on the coding strand, the complement: LOXL3 is on the minus strand). VCF-style: chr2-74536124-C-G. GRCh37 (hg19) VCF-style: chr2-74763251-C-G.
Other names: c.685G>C, p.Val229Leu (NM_001289164.3); c.37G>C, p.Val13Leu (NM_001289165.2); c.1120G>C (NM_032603.2, NM_032603.4); short protein forms V13L, V229L, V374L.
Identifiers: ClinVar variation 1584764 (VCV001584764.11), dbSNP rs148743316, ClinGen allele CA1728970.

ClinVar aggregate classification (germline): Conflicting classifications of pathogenicity. Review status: criteria provided, conflicting classifications (1 of 4 stars). 4 submissions from 4 submitters: Uncertain significance (1); Likely benign (3). Last evaluated 2026-01-21.

Conditions:
LOXL3-related disorder. Also called: LOXL3-related condition.

Allele frequency attached by ClinVar (database versions not stated): gnomAD 0.00086 and 0.00079; 1000 Genomes Project 0.00160; 1000 Genomes Project 30x 0.00172; gnomAD exomes 0.00020; ExAC 0.00027; ESP Exome Variant Server 0.00038; TOPMed 0.00084.
gnomAD v4.1: 221 of 1,613,952 alleles (0.014%); highest among the groups gnomAD compares: African/African-American, 0.27%; 2 homozygotes.

Submissions (4):

Labcorp Genetics (formerly Invitae), Labcorp
Classification: Likely benign. Last evaluated: 2026-01-21. Review status: criteria provided, single submitter. Criteria: Invitae Variant Classification Sherloc (09022015). Collection method: clinical testing. Allele origin: germline.

Ambry Genetics
Classification: Uncertain significance. Last evaluated: 2025-08-22. Review status: criteria provided, single submitter. Criteria: Ambry Variant Classification Scheme 2023. Collection method: clinical testing. Allele origin: germline.

PreventionGenetics, part of Exact Sciences
Classification: Likely benign for LOXL3-related condition. Last evaluated: 2025-03-27. Review status: criteria provided, single submitter. Criteria: ACMG Guidelines, 2015. Collection method: clinical testing. Allele origin: germline.
Comment: This variant is classified as likely benign based on ACMG/AMP sequence variant interpretation guidelines (Richards et al. 2015 PMID: 25741868, with internal and published modifications).

Breakthrough Genomics
Classification: Likely benign. Review status: criteria provided, single submitter. Criteria: ACMG Guidelines, 2015. Collection method: not provided. Allele origin: germline. Inheritance: Autosomal recessive inheritance. Affected: yes.